The following is an entry in ClinVar:

NM_022552.5(DNMT3A):c.1976G>A (p.Arg659His)

Gene: DNMT3A (DNA methyltransferase 3 alpha; minus strand). Cytogenetic location: 2p23.3.
Variant type: single nucleotide variant.
Coding change: c.1976G>A on transcript NM_022552.5 (MANE Select); coding-DNA position 1976, G replaced by A.
Protein change: p.Arg659His; replaces arginine 659 with histidine.
Molecular consequence: missense variant. On other transcripts: non-coding transcript variant (1).
Genome position (GRCh38, 1-based): chr2:25,241,668, C>T on the plus strand (G>A on the coding strand, the complement: DNMT3A is on the minus strand). VCF-style: chr2-25241668-C-T. GRCh37 (hg19) VCF-style: chr2-25464537-C-T.
Other names: c.1520G>A, p.Arg507His (NM_001320893.1); c.1307G>A, p.Arg436His (NM_001375819.1); c.1409G>A, p.Arg470His (NM_153759.3); c.1976G>A, p.Arg659His (NM_175629.2); c.1976G>A (NM_175629.1); short protein forms R436H, R470H, R507H, R659H.
Identifiers: ClinVar variation 1317692 (VCV001317692.4), dbSNP rs752434188, ClinGen allele CA1555804.

ClinVar aggregate classification (germline): Conflicting classifications of pathogenicity. Review status: criteria provided, conflicting classifications (1 of 4 stars). 4 submissions from 4 submitters: Pathogenic (1); Uncertain significance (2). 1 of the submissions does not count toward it. Last evaluated 2025-01-28.

Conditions:
DNMT3A-related disorder. Also called: DNMT3A-related disorders; DNMT3A-related condition.
Inborn genetic diseases. Identifiers: MedGen C0950123, MeSH D030342.
Tatton-Brown-Rahman overgrowth syndrome. Also called: Tatton-Brown-Rahman syndrome; Tall stature-intellectual disability-facial dysmorphism syndrome. Identifiers: Orphanet 404443, MedGen C4014545, MONDO:0014382, OMIM 615879.

Allele frequency attached by ClinVar (database versions not stated): gnomAD exomes below 0.00001 and 0.00001; gnomAD 0.00001; ExAC 0.00002.
gnomAD v4.1: 9 of 1,613,888 alleles (0.00056%); highest among the groups gnomAD compares: African/African-American, 0.0027%; no homozygotes.

Submissions (4):

Ambry Genetics
Classification: Uncertain significance for Inborn genetic diseases. Last evaluated: 2025-01-28. Review status: criteria provided, single submitter. Criteria: Ambry Variant Classification Scheme 2023. Collection method: clinical testing. Allele origin: germline.
Comment: The c.1976G>A (p.R659H) alteration is located in exon 17 (coding exon 16) of the DNMT3A gene. This alteration results from a G to A substitution at nucleotide position 1976, causing the arginine (R) at amino acid position 659 to be replaced by a histidine (H). Based on data from gnomAD, the A allele has an overall frequency of <0.001% (1/250838) total alleles studied. The highest observed frequency was 0.001% (1/113374) of European (non-Finnish) alleles. This variant was determined to be de novo in an individual with intellectual disability (Kaplanis, 2020). This amino acid position is highly conserved in available vertebrate species. The in silico prediction for this alteration is inconclusive. Based on insufficient or conflicting evidence, the clinical significance of this alteration remains unclear.

Clinical Genetics Laboratory, CHRU Nancy
Classification: Pathogenic for Tatton-Brown-Rahman overgrowth syndrome. Last evaluated: 2024-03-24. Review status: criteria provided, single submitter. Criteria: ACMG Guidelines, 2015. Collection method: clinical testing. Allele origin: germline. Affected: yes.

GeneDx
Classification: Uncertain significance. Last evaluated: 2019-08-12. Review status: criteria provided, single submitter. Criteria: GeneDx Variant Classification Process June 2021. Collection method: clinical testing. Allele origin: germline. Affected: yes.
Comment: Has not been definitively reported in the germline as pathogenic or benign to our knowledge, but has been reported in tumor samples from patients with primary myelofibrosis, acute myeloid leukemia and papillary thyroid carcinoma in published literature (Abdel-Wahab et al., 2011; Gaksch et al., 2018; Siraj et al., 2019); In silico analysis, which includes protein predictors and evolutionary conservation, supports a deleterious effect; This variant is associated with the following publications: (PMID: 21750560, 21519343, 28960408, 31280122)

PreventionGenetics, part of Exact Sciences
Classification: Uncertain significance for DNMT3A-related condition. Last evaluated: 2024-08-17. Review status: no assertion criteria provided. Collection method: clinical testing. Allele origin: germline. Not counted in ClinVar's aggregate classification.
Comment: The DNMT3A c.1976G>A variant is predicted to result in the amino acid substitution p.Arg659His. This variant has been observed in individuals with neurodevelopmental disorders (Table S1, Kaplanis et al. 2020. PubMed ID: 33057194; Supplemental Data 3, Zhou et al. 2022. PubMed ID: 35982159). This variant is reported in 0.00088% of alleles in individuals of European (Non-Finnish) descent in gnomAD. At this time, the clinical significance of this variant is uncertain due to the absence of conclusive functional and genetic evidence.

Literature cited by the submitters: PubMed 33057194 (cited by Ambry Genetics).